The following is an entry in ClinVar:

ClinVar aggregate classification (germline): Uncertain significance (1 of 4 stars; one submission).

Submission:

GeneDx
Classification: Uncertain significance. Last evaluated: 2025-08-22. Review status: criteria provided, single submitter. Criteria: GeneDx Variant Classification Process June 2021. Collection method: clinical testing. Allele origin: germline. Affected: yes.
Comment: Not observed at significant frequency in large population cohorts (gnomAD); In silico analysis supports that this missense variant has a deleterious effect on protein structure/function; Has not been previously published as pathogenic or benign to our knowledge

NM_001375524.1(TRRAP):c.5978T>C (p.Val1993Ala)

Gene: TRRAP (transformation/transcription domain associated protein; plus strand). Cytogenetic location: 7q22.1.
Variant type: single nucleotide variant.
Coding change: c.5978T>C on transcript NM_001375524.1 (MANE Select); coding-DNA position 5978, T replaced by C.
Protein change: p.Val1993Ala; replaces valine 1993 with alanine.
Molecular consequence: missense variant.
Genome position (GRCh38, 1-based): chr7:98,956,186, T>C. VCF-style: chr7-98956186-T-C. GRCh37 (hg19) VCF-style: chr7-98553809-T-C.
Other names: c.5957T>C, p.Val1986Ala (NM_001244580.2); c.5903T>C, p.Val1968Ala (NM_003496.4); short protein forms V1968A, V1986A, V1993A.
Identifiers: ClinVar variation 1302374 (VCV001302374.3), dbSNP rs2116639506, ClinGen allele CA368325260.
Genomic context (GRCh38, chr7:98,956,186, plus strand): 5'-TGCTGGCCCTGCGTCCGCAGGTGTACTACCCGGTACGGCACCACTTGGTGCAGCACATGG[T>C]GAGCGCCATGCAGAGGCTGGGCTTCACGCCCAGTGTCACCATCGAGCAGAGGCGGCTGGC-3'
Protein context (NP_001362453.1, residues 1983-2003): PVRHHLVQHM[Val1993Ala]SAMQRLGFTP